The following is an entry in ClinVar:

NM_004807.3(HS6ST1):c.702G>A (p.Thr234=)

Gene: HS6ST1 (heparan sulfate 6-O-sulfotransferase 1; minus strand). Cytogenetic location: 2q14.3.
Variant type: single nucleotide variant.
Coding change: c.702G>A on transcript NM_004807.3 (MANE Select); coding-DNA position 702, G replaced by A.
Protein change: p.Thr234=; no amino-acid change (threonine 234 retained).
Molecular consequence: synonymous variant.
Genome position (GRCh38, 1-based): chr2:128,268,696, C>T on the plus strand (G>A on the coding strand, the complement: HS6ST1 is on the minus strand). VCF-style: chr2-128268696-C-T. GRCh37 (hg19) VCF-style: chr2-129026270-C-T.
Identifiers: ClinVar variation 1335400 (VCV001335400.41), dbSNP rs201752744, ClinGen allele CA1867561.

ClinVar aggregate classification (germline): Benign/Likely benign. Review status: criteria provided, multiple submitters, no conflicts (2 of 4 stars). 4 submissions from 4 submitters: Benign (1); Likely benign (3). Last evaluated 2025-12-29.

Allele frequency attached by ClinVar (database versions not stated): ESP Exome Variant Server 0.00117; 1000 Genomes Project 30x 0.00031; 1000 Genomes Project 0.00040.
gnomAD v4.1: 1,665 of 1,611,962 alleles (0.1%); highest among the groups gnomAD compares: Middle Eastern, 0.51%; 5 homozygotes.

Submissions (4):

Labcorp Genetics (formerly Invitae), Labcorp
Classification: Benign. Last evaluated: 2025-12-29. Review status: criteria provided, single submitter. Criteria: Invitae Variant Classification Sherloc (09022015). Collection method: clinical testing. Allele origin: germline.

Blueprint Genetics
Classification: Likely benign. Last evaluated: 2024-11-19. Review status: criteria provided, single submitter. Criteria: ACMG Guidelines, 2015. Collection method: clinical testing. Allele origin: germline.

CeGaT Center for Human Genetics Tuebingen
Classification: Likely benign. Last evaluated: 2023-10-01. Review status: criteria provided, single submitter. Criteria: CeGaT Center For Human Genetics Tuebingen Variant Classification Criteria Version 2. Collection method: clinical testing. Allele origin: germline. Affected: yes. Observed: 3 variant alleles.
Comment: HS6ST1: BP4, BP7

Breakthrough Genomics
Classification: Likely benign. Review status: criteria provided, single submitter. Criteria: ACMG Guidelines, 2015. Collection method: not provided. Allele origin: germline. Inheritance: Autosomal dominant inheritance. Affected: yes.